The following is an entry in ClinVar:

ClinVar aggregate classification (germline): Benign/Likely benign. Review status: criteria provided, multiple submitters, no conflicts (2 of 4 stars). 3 submissions from 3 submitters: Benign (2); Likely benign (1). Last evaluated 2026-02-02.

Allele frequency attached by ClinVar (database versions not stated): gnomAD 0.00035 and 0.00036; ExAC 0.00038; gnomAD exomes 0.00038 and 0.00048; TOPMed 0.00045; ESP Exome Variant Server 0.00054.
gnomAD v4.1: 769 of 1,612,626 alleles (0.048%); highest among the groups gnomAD compares: Middle Eastern, 0.41%; 3 homozygotes.

Submissions (3):

Labcorp Genetics (formerly Invitae), Labcorp
Classification: Benign. Last evaluated: 2026-02-02. Review status: criteria provided, single submitter. Criteria: Invitae Variant Classification Sherloc (09022015). Collection method: clinical testing. Allele origin: germline.

CeGaT Center for Human Genetics Tuebingen
Classification: Likely benign. Last evaluated: 2022-06-01. Review status: criteria provided, single submitter. Criteria: CeGaT Center For Human Genetics Tuebingen Variant Classification Criteria Version 2. Collection method: clinical testing. Allele origin: germline. Affected: yes. Observed: 1 variant allele.
Comment: SLC27A4: BP4, BP7

Breakthrough Genomics
Classification: Benign. Review status: criteria provided, single submitter. Criteria: ACMG Guidelines, 2015. Collection method: not provided. Allele origin: germline. Inheritance: Autosomal recessive inheritance. Affected: yes.

NM_005094.4(SLC27A4):c.492T>C (p.Ala164=)

Gene: SLC27A4 (solute carrier family 27 member 4; plus strand). Cytogenetic location: 9q34.11.
Variant type: single nucleotide variant.
Coding change: c.492T>C on transcript NM_005094.4 (MANE Select); coding-DNA position 492, T replaced by C.
Protein change: p.Ala164=; no amino-acid change (alanine 164 retained).
Molecular consequence: synonymous variant.
Genome position (GRCh38, 1-based): chr9:128,345,485, T>C. VCF-style: chr9-128345485-T-C. GRCh37 (hg19) VCF-style: chr9-131107764-T-C.
Identifiers: ClinVar variation 723273 (VCV000723273.33), dbSNP rs139914381, ClinGen allele CA5260954.